The following is an entry in ClinVar:

ClinVar aggregate classification (germline): Likely benign. Review status: criteria provided, multiple submitters, no conflicts (2 of 4 stars). 3 submissions from 3 submitters: Likely benign (3). Last evaluated 2025-11-03.

Conditions:
POLD1-related polyposis and colorectal cancer syndrome (CRCS10). Also called: Colorectal cancer, susceptibility to, 10; Colorectal cancer 10; COLORECTAL CANCER, SUSCEPTIBILITY TO, ON CHROMOSOME 19q. Identifiers: Orphanet 220460, MedGen C2675481, MONDO:0012953, OMIM 612591.
Hereditary cancer-predisposing syndrome. Also called: Neoplastic Syndromes, Hereditary; Hereditary neoplastic syndrome; Hereditary Cancer Syndrome; Tumor predisposition. Identifiers: Orphanet 140162, MedGen C0027672, MeSH D009386, MONDO:0015356.

Submissions (3):

Labcorp Genetics (formerly Invitae), Labcorp
Classification: Likely benign for POLD1-related polyposis and colorectal cancer syndrome. Last evaluated: 2025-11-03. Review status: criteria provided, single submitter. Criteria: Invitae Variant Classification Sherloc (09022015). Collection method: clinical testing. Allele origin: germline.

Ambry Genetics
Classification: Likely benign for Hereditary cancer-predisposing syndrome. Last evaluated: 2019-10-31. Review status: criteria provided, single submitter. Criteria: Ambry Variant Classification Scheme 2023. Collection method: clinical testing. Allele origin: germline.

GeneDx
Classification: Likely benign. Last evaluated: 2016-11-01. Review status: criteria provided, single submitter. Criteria: GeneDx Variant Classification (06012015). Collection method: clinical testing. Allele origin: germline. Affected: yes.
Comment: This variant is considered likely benign or benign based on one or more of the following criteria: it is a conservative change, it occurs at a poorly conserved position in the protein, it is predicted to be benign by multiple in silico algorithms, and/or has population frequency not consistent with disease.

NM_002691.4(POLD1):c.333G>A (p.Val111=)

Gene: POLD1 (DNA polymerase delta 1, catalytic subunit; plus strand). Cytogenetic location: 19q13.33.
Variant type: single nucleotide variant.
Coding change: c.333G>A on transcript NM_002691.4 (MANE Select); coding-DNA position 333, G replaced by A.
Protein change: p.Val111=; no amino-acid change (valine 111 retained).
Molecular consequence: synonymous variant. On other transcripts: non-coding transcript variant (1).
Genome position (GRCh38, 1-based): chr19:50,401,794, G>A. VCF-style: chr19-50401794-G-A. GRCh37 (hg19) VCF-style: chr19-50905051-G-A.
Other names: c.333G>A, p.Val111= (NM_001256849.1, NM_001308632.1).
Identifiers: ClinVar variation 390704 (VCV000390704.13), dbSNP rs779898994, ClinGen allele CA16608247.